The following is an entry in ClinVar:

ClinVar aggregate classification (germline): Uncertain significance. Review status: criteria provided, multiple submitters, no conflicts (2 of 4 stars). 3 submissions from 3 submitters: Uncertain significance (3). Last evaluated 2026-03-25.

Conditions:
MYH7B-related disorder. Also called: MYH7B-related condition.

Allele frequency attached by ClinVar (database versions not stated): ExAC 0.00002; gnomAD exomes 0.00002; gnomAD 0.00003; TOPMed 0.00003; ESP Exome Variant Server 0.00008.
gnomAD v4.1: 59 of 1,611,866 alleles (0.0037%); highest among the groups gnomAD compares: Non-Finnish European, 0.0049%; no homozygotes.

Submissions (3):

PreventionGenetics, part of Exact Sciences
Classification: Uncertain significance for MYH7B-related condition. Last evaluated: 2026-03-25. Review status: criteria provided, single submitter. Criteria: ACMG Guidelines, 2015. Collection method: clinical testing. Allele origin: germline.
Comment: The MYH7B c.3782G>A variant is predicted to result in the amino acid substitution p.Arg1261Gln. To our knowledge, this variant has not been reported in the literature. This variant is reported in 0.0036% of alleles in individuals of European (Non-Finnish) descent in gnomAD. At this time, the clinical significance of this variant is uncertain due to the absence of conclusive functional and genetic evidence.

Labcorp Genetics (formerly Invitae), Labcorp
Classification: Uncertain significance. Last evaluated: 2025-03-08. Review status: criteria provided, single submitter. Criteria: Invitae Variant Classification Sherloc (09022015). Collection method: clinical testing. Allele origin: germline.
Comment: This sequence change replaces arginine, which is basic and polar, with glutamine, which is neutral and polar, at codon 1261 of the MYH7B protein (p.Arg1261Gln). This variant is present in population databases (rs375793142, gnomAD 0.003%). This variant has not been reported in the literature in individuals affected with MYH7B-related conditions. ClinVar contains an entry for this variant (Variation ID: 1419796). Invitae Evidence Modeling of protein sequence and biophysical properties (such as structural, functional, and spatial information, amino acid conservation, physicochemical variation, residue mobility, and thermodynamic stability) indicates that this missense variant is not expected to disrupt MYH7B protein function with a negative predictive value of 80%. In summary, the available evidence is currently insufficient to determine the role of this variant in disease. Therefore, it has been classified as a Variant of Uncertain Significance.

Ambry Genetics
Classification: Uncertain significance. Last evaluated: 2022-12-13. Review status: criteria provided, single submitter. Criteria: Ambry Variant Classification Scheme 2023. Collection method: clinical testing. Allele origin: germline.

NM_020884.7(MYH7B):c.3656G>A (p.Arg1219Gln)

Gene: MYH7B (myosin heavy chain 7B; plus strand). Cytogenetic location: 20q11.22.
Variant type: single nucleotide variant.
Coding change: c.3656G>A on transcript NM_020884.7 (MANE Select); coding-DNA position 3656, G replaced by A.
Protein change: p.Arg1219Gln; replaces arginine 1219 with glutamine.
Molecular consequence: missense variant.
Genome position (GRCh38, 1-based): chr20:34,997,549, G>A. VCF-style: chr20-34997549-G-A. GRCh37 (hg19) VCF-style: chr20-33585352-G-A.
Other names: c.3782G>A (NM_020884.3, NM_020884.4); short protein forms R1219Q.
Identifiers: ClinVar variation 1419796 (VCV001419796.8), dbSNP rs375793142, ClinGen allele CA9827797.
Genomic context (GRCh38, chr20:34,997,549, plus strand): 5'-TGCGGCGCAAGCAGGCGGAGGGCGCGGCGGAGCTGGGGGAGCAGGTGGACAGCCTGCAGC[G>A]GGTGCGGCAGAAGCTGGAGAAGGAGAAGAGTGAGCTGCGCATGGAGGTGGACGACCTGGC-3'
Protein context (NP_065935.4, residues 1209-1229): ELGEQVDSLQ[Arg1219Gln]VRQKLEKEKS